The following is an entry in ClinVar:

ClinVar aggregate classification (germline): Likely pathogenic (3 of 4 stars; one submission).

Conditions:
Phenylketonuria (PKU). Also called: Phenylketonurias; FOLLING DISEASE; OLIGOPHRENIA PHENYLPYRUVICA; Phenylketonuria (PKU). Identifiers: Orphanet 716, MedGen C0031485, MONDO:0009861, OMIM 261600. Disease mechanism: loss of function.

Allele frequency attached by ClinVar (database versions not stated): TOPMed below 0.00001.

Submission:

ClinGen PAH Variant Curation Expert Panel
Classification: Likely pathogenic for Phenylketonuria. Last evaluated: 2023-10-13. Review status: reviewed by expert panel. Criteria: ClinGen PAH ACMG Specifications v1. Collection method: curation. Allele origin: germline. Inheritance: Autosomal recessive inheritance.
Comment: The c.1154T>C (p.Leu385Pro) variant in PAH has been reported in at least 3 Chinese patients with Phe > 120umol/L (BH4 deficiency excluded) (PP4_Moderate; PMIDs:29499199, 23932990). This variant was detected in the homozygous state in two patients (PM3; PMID:23932990). This variant is absent in population databases (PM2). This variant is predicted deleterious by SIFT, PolyPhen, MutationTaster, and REVEL = 0.817 (PP3). In summary, this variant meets criteria to be classified as likely pathogenic for PAH. PAH-specific ACMG/AMP criteria applied: PM2, PP4_Moderate, PM3, PP3.

NM_000277.3(PAH):c.1154T>C (p.Leu385Pro)

Gene: PAH (phenylalanine hydroxylase; minus strand). Cytogenetic location: 12q23.2.
Variant type: single nucleotide variant.
Coding change: c.1154T>C on transcript NM_000277.3 (MANE Select); coding-DNA position 1154, T replaced by C.
Protein change: p.Leu385Pro; replaces leucine 385 with proline.
Molecular consequence: missense variant.
Genome position (GRCh38, 1-based): chr12:102,843,691, A>G on the plus strand (T>C on the coding strand, the complement: PAH is on the minus strand). VCF-style: chr12-102843691-A-G. GRCh37 (hg19) VCF-style: chr12-103237469-A-G.
Other names: NM_000277.3:c.1154T>C; c.1154T>C, p.Leu385Pro (NM_001354304.2); short protein forms L385P.
Identifiers: ClinVar variation 2682167 (VCV002682167.1), dbSNP rs1846383965, ClinGen allele CA16020951.